The following is an entry in ClinVar:

ClinVar aggregate classification (germline): Benign. Review status: criteria provided, multiple submitters, no conflicts (2 of 4 stars). 6 submissions from 3 submitters: Benign (6). Last evaluated 2020-04-30.

Conditions:
Cone-rod dystrophy 12 (CORD12). Identifiers: Orphanet 1872, MedGen C2675210, MONDO:0012983, OMIM 612657.
Retinal macular dystrophy type 2 (MCDR2). Also called: Bull's eye macular dystrophy. Identifiers: Orphanet 319640, MedGen C4749334, MONDO:0011957, OMIM 608051.
Stargardt disease 4 (STGD4). Identifiers: Orphanet 827, MedGen C1863534, MONDO:0011370, OMIM 603786.
Retinitis pigmentosa (RP). Identifiers: Orphanet 791, MedGen C0035334, MeSH D012174, MONDO:0019200, OMIM 268000. Inheritance: Autosomal dominant, autosomal recessive and X linked inheritance.

Allele frequency attached by ClinVar (database versions not stated): TOPMed 0.20358; 1000 Genomes Project 0.21046; 1000 Genomes Project 30x 0.21049; gnomAD 0.21643 and 0.21741; gnomAD exomes 1.00000.
gnomAD v4.1: 33,300 of 152,218 alleles (22%); highest among the groups gnomAD compares: Admixed American, 29%; 4,371 homozygotes.

Submissions (6):

GeneDx
Classification: Benign. Last evaluated: 2020-04-30. Review status: criteria provided, single submitter. Criteria: GeneDx Variant Classification Process June 2021. Collection method: clinical testing. Allele origin: germline. Affected: yes.
Comment: This variant is associated with the following publications: (PMID: 24302553, 23715500)

Illumina Laboratory Services, Illumina
Classification: Benign for Cone-rod dystrophy 12. Last evaluated: 2018-01-12. Review status: criteria provided, single submitter. Criteria: ICSL Variant Classification Criteria 13 December 2019. Collection method: clinical testing. Allele origin: germline.
Comment: This variant was observed in the ICSL laboratory as part of a predisposition screen in an ostensibly healthy population. It had not been previously curated by ICSL or reported in the Human Gene Mutation Database (HGMD: prior to June 1st, 2018), and was therefore a candidate for classification through an automated scoring system. Utilizing variant allele frequency, disease prevalence and penetrance estimates, and inheritance mode, an automated score was calculated to assess if this variant is too frequent to cause the disease. Based on the score and internal cut-off values, a variant classified as benign is not then subjected to further curation. The score for this variant resulted in a classification of benign for this disease.

Illumina Laboratory Services, Illumina
Classification: Benign for Retinitis pigmentosa. Last evaluated: 2018-01-12. Review status: criteria provided, single submitter. Criteria: ICSL Variant Classification Criteria 13 December 2019. Collection method: clinical testing. Allele origin: germline.
Comment: the same text as in the submission from Illumina Laboratory Services, Illumina above.

Illumina Laboratory Services, Illumina
Classification: Benign for Stargardt disease 4. Last evaluated: 2018-01-12. Review status: criteria provided, single submitter. Criteria: ICSL Variant Classification Criteria 13 December 2019. Collection method: clinical testing. Allele origin: germline.
Comment: the same text as in the submission from Illumina Laboratory Services, Illumina above.

Illumina Laboratory Services, Illumina
Classification: Benign for Retinal macular dystrophy type 2. Last evaluated: 2018-01-12. Review status: criteria provided, single submitter. Criteria: ICSL Variant Classification Criteria 13 December 2019. Collection method: clinical testing. Allele origin: germline.
Comment: the same text as in the submission from Illumina Laboratory Services, Illumina above.

Breakthrough Genomics
Classification: Benign. Review status: criteria provided, single submitter. Criteria: ACMG Guidelines, 2015. Collection method: not provided. Allele origin: germline. Inheritance: Autosomal recessive inheritance. Affected: yes.

NM_006017.3(PROM1):c.*667A>C

Gene: PROM1 (prominin 1; minus strand). Cytogenetic location: 4p15.32.
Variant type: single nucleotide variant.
Coding change: c.*667A>C on transcript NM_006017.3 (MANE Select); 667 bases downstream of the stop codon, A replaced by C.
Molecular consequence: 3 prime UTR variant.
Genome position (GRCh38, 1-based): chr4:15,968,726, T>G on the plus strand (A>C on the coding strand, the complement: PROM1 is on the minus strand). VCF-style: chr4-15968726-T-G. GRCh37 (hg19) VCF-style: chr4-15970349-T-G.
Other names: c.*667A>C (NM_001145847.2, NM_001145848.2, NM_001145849.2 and 6 more transcripts).
Identifiers: ClinVar variation 347968 (VCV000347968.8), dbSNP rs2240688, ClinGen allele CA10617331.